The following is an entry in ClinVar:

NM_002769.5(PRSS1):c.622G>A (p.Gly208Arg)

Genes: PRSS1 (serine protease 1; plus strand), TRB (T cell receptor beta locus; plus strand). Cytogenetic location: 7q34.
Variant type: single nucleotide variant.
Coding change: c.622G>A on transcript NM_002769.5 (MANE Select); coding-DNA position 622, G replaced by A.
Protein change: p.Gly208Arg; replaces glycine 208 with arginine.
Molecular consequence: missense variant. On other transcripts: non-coding transcript variant (5).
Genome position (GRCh38, 1-based): chr7:142,752,898, G>A. VCF-style: chr7-142752898-G-A. GRCh37 (hg19) VCF-style: chr7-142460749-G-A.
Other names: short protein forms G208R.
Identifiers: ClinVar variation 1752329 (VCV001752329.2), dbSNP rs1282721655, ClinGen allele CA369610624.
Genomic context (GRCh38, chr7:142,752,898, plus strand): 5'-TCCATACAACTTGTCCCTTCTTCCCCCCAGGGTGATTCTGGTGGCCCTGTGGTCTGCAAT[G>A]GACAGCTCCAAGGAGTTGTCTCCTGGGGTGATGGCTGTGCCCAGAAGAACAAGCCTGGAG-3'
Protein context (NP_002760.1, residues 198-218): GDSGGPVVCN[Gly208Arg]QLQGVVSWGD

ClinVar aggregate classification (germline): Uncertain significance (1 of 4 stars; one submission).

Conditions:
Hereditary pancreatitis (PCTT). Also called: Hereditary chronic pancreatitis; PRSS1-Related Hereditary Pancreatitis. Identifiers: Orphanet 676, MedGen C0238339, MONDO:0008185, OMIM 167800.

Submission:

Ambry Genetics
Classification: Uncertain significance for Hereditary pancreatitis. Last evaluated: 2022-03-24. Review status: criteria provided, single submitter. Criteria: Ambry Variant Classification Scheme 2023. Collection method: clinical testing. Allele origin: germline.
Comment: The p.G208R variant (also known as c.622G>A), located in coding exon 5 of the PRSS1 gene, results from a G to A substitution at nucleotide position 622. The glycine at codon 208 is replaced by arginine, an amino acid with dissimilar properties. This amino acid position is well conserved in available vertebrate species. In addition, the in silico prediction for this alteration is inconclusive. Since supporting evidence is limited at this time, the clinical significance of this alteration remains unclear.